The following is an entry in ClinVar:

NM_174878.3(CLRN1):c.57A>T (p.Ala19=)

Gene: CLRN1 (clarin 1; minus strand). Cytogenetic location: 3q25.1.
Variant type: single nucleotide variant.
Coding change: c.57A>T on transcript NM_174878.3 (MANE Select); coding-DNA position 57, A replaced by T.
Protein change: p.Ala19=; no amino-acid change (alanine 19 retained).
Molecular consequence: synonymous variant. On other transcripts: non-coding transcript variant (1).
Genome position (GRCh38, 1-based): chr3:150,972,652, T>A on the plus strand (A>T on the coding strand, the complement: CLRN1 is on the minus strand). VCF-style: chr3-150972652-T-A. GRCh37 (hg19) VCF-style: chr3-150690439-T-A.
Other names: p.A19A:GCA>GCT; p.Ala19=; c.57A>T, p.Ala19= (NM_001195794.1, NM_001256819.2).
Identifiers: ClinVar variation 48147 (VCV000048147.24), dbSNP rs3796242, ClinGen allele CA142695.

ClinVar aggregate classification (germline): Benign/Likely benign. Review status: criteria provided, multiple submitters, no conflicts (2 of 4 stars). 11 submissions from 11 submitters: Benign (9); Likely benign (1). 1 of the submissions does not count toward it. Last evaluated 2026-02-04.

Conditions:
Usher syndrome type 3A (USH3A). Also called: USHER SYNDROME, TYPE IIIA. Identifiers: MedGen C5779850, MONDO:0010170, OMIM 276902.
Retinal dystrophy. Also called: Inherited retinal dystrophy. Identifiers: Orphanet 71862, MedGen C0854723, MeSH D058499, MONDO:0019118, HP:0000556.
Usher syndrome type 3. Also called: Usher Syndrome, Type III. Identifiers: Orphanet 231183, MedGen C1568248, MONDO:0016485.

Allele frequency attached by ClinVar (database versions not stated): ESP Exome Variant Server 0.11195; TOPMed 0.12019; gnomAD 0.12205 and 0.12281; 1000 Genomes Project 30x 0.13086; ExAC 0.13255; 1000 Genomes Project 0.13359; gnomAD exomes 0.13481.
gnomAD v4.1: 198,588 of 1,614,088 alleles (12%); highest among the groups gnomAD compares: East Asian, 22%; 13,042 homozygotes.

Submissions (11):

Labcorp Genetics (formerly Invitae), Labcorp
Classification: Benign. Last evaluated: 2026-02-04. Review status: criteria provided, single submitter. Criteria: Invitae Variant Classification Sherloc (09022015). Collection method: clinical testing. Allele origin: germline.

Blueprint Genetics
Classification: Likely benign. Last evaluated: 2024-11-27. Review status: criteria provided, single submitter. Criteria: ACMG Guidelines, 2015. Collection method: clinical testing. Allele origin: germline.

Dept Of Ophthalmology, Nagoya University
Classification: Benign for Retinal dystrophy. Last evaluated: 2023-10-01. Review status: criteria provided, single submitter. Criteria: Submitter's publication. Collection method: research. Allele origin: germline. Affected: yes.

Pars Genome Lab
Classification: Benign for Usher syndrome type 3A. Last evaluated: 2021-06-15. Review status: criteria provided, single submitter. Criteria: ACMG Guidelines, 2015. Collection method: clinical testing. Allele origin: germline. Affected: no.

Mayo Clinic Laboratories, Mayo Clinic
Classification: Benign. Last evaluated: 2020-10-20. Review status: criteria provided, single submitter. Criteria: ACMG Guidelines, 2015. Collection method: clinical testing. Allele origin: germline. Observed: 44 variant alleles.

Illumina Laboratory Services, Illumina
Classification: Benign for Usher syndrome type 3A. Last evaluated: 2018-01-12. Review status: criteria provided, single submitter. Criteria: ICSL Variant Classification Criteria 13 December 2019. Collection method: clinical testing. Allele origin: germline.
Comment: This variant was observed in the ICSL laboratory as part of a predisposition screen in an ostensibly healthy population. It had not been previously curated by ICSL or reported in the Human Gene Mutation Database (HGMD: prior to June 1st, 2018), and was therefore a candidate for classification through an automated scoring system. Utilizing variant allele frequency, disease prevalence and penetrance estimates, and inheritance mode, an automated score was calculated to assess if this variant is too frequent to cause the disease. Based on the score and internal cut-off values, a variant classified as benign is not then subjected to further curation. The score for this variant resulted in a classification of benign for this disease.

GeneDx
Classification: Benign. Last evaluated: 2013-03-05. Review status: criteria provided, single submitter. Criteria: GeneDx Variant Classification (06012015). Collection method: clinical testing. Allele origin: germline. Affected: yes.
Comment: This variant is considered likely benign or benign based on one or more of the following criteria: it is a conservative change, it occurs at a poorly conserved position in the protein, it is predicted to be benign by multiple in silico algorithms, and/or has population frequency not consistent with disease.

Laboratory for Molecular Medicine, Mass General Brigham Personalized Medicine
Classification: Benign. Last evaluated: 2008-01-07. Review status: criteria provided, single submitter. Criteria: LMM Criteria. Collection method: clinical testing. Allele origin: germline. Observed: 522 variant alleles.

Breakthrough Genomics
Classification: Benign. Review status: criteria provided, single submitter. Criteria: ACMG Guidelines, 2015. Collection method: not provided. Allele origin: germline. Inheritance: Autosomal recessive inheritance. Affected: yes.

PreventionGenetics, part of Exact Sciences
Classification: Benign. Review status: criteria provided, single submitter. Criteria: ACMG Guidelines, 2015. Collection method: clinical testing. Allele origin: germline.

Natera, Inc.
Classification: Benign for Usher syndrome type 3A. Last evaluated: 2020-09-16. Review status: no assertion criteria provided. Collection method: clinical testing. Allele origin: germline. Not counted in ClinVar's aggregate classification.

Literature cited by the submitters: PubMed 12145752 (cited by Laboratory for Molecular Medicine, Mass General Brigham Personalized Medicine); PubMed 12080385 (cited by Laboratory for Molecular Medicine, Mass General Brigham Personalized Medicine); PubMed 15521980 (cited by Laboratory for Molecular Medicine, Mass General Brigham Personalized Medicine).